The following is an entry in ClinVar:

ClinVar aggregate classification (germline): Uncertain significance. Review status: criteria provided, multiple submitters, no conflicts (2 of 4 stars). 2 submissions from 2 submitters: Uncertain significance (2). Last evaluated 2024-03-26.

Conditions:
Growth hormone insensitivity with immune dysregulation 1, autosomal recessive. Also called: Laron syndrome with immunodeficiency; GROWTH HORMONE INSENSITIVITY DUE TO POSTRECEPTOR DEFECT; LARON SYNDROME DUE TO POSTRECEPTOR DEFECT; GROWTH HORMONE INSENSITIVITY SYNDROME WITH IMMUNE DYSREGULATION 1, AUTOSOMAL RECESSIVE. Identifiers: Orphanet 220465, MedGen C5435698, MONDO:0100211, OMIM 245590.

Allele frequency attached by ClinVar (database versions not stated): TOPMed below 0.00001; gnomAD 0.00001.
gnomAD v4.1: 1 of 1,613,998 alleles (0.000062%); highest among the groups gnomAD compares: Non-Finnish European, 0.000085%; no homozygotes.

Submissions (2):

Women's Health and Genetics/Laboratory Corporation of America, LabCorp
Classification: Uncertain significance. Last evaluated: 2024-03-26. Review status: criteria provided, single submitter. Criteria: LabCorp Variant Classification Summary - May 2015. Collection method: clinical testing. Allele origin: germline.
Comment: Variant summary: STAT5B c.436C>G (p.Gln146Glu) results in a conservative amino acid change located in the STAT transcription factor, all-alpha domain (IPR013800) of the encoded protein sequence. Four of five in-silico tools predict a benign effect of the variant on protein function. The variant was absent in 251480 control chromosomes. The available data on variant occurrences in the general population are insufficient to allow any conclusion about variant significance. To our knowledge, no occurrence of c.436C>G in individuals affected with Growth Hormone Insensitivity Syndrome With Immune Dysregulation 2, Autosomal Dominant and no experimental evidence demonstrating its impact on protein function have been reported. ClinVar contains an entry for this variant (Variation ID: 2998404). Based on the evidence outlined above, the variant was classified as uncertain significance.

Labcorp Genetics (formerly Invitae), Labcorp
Classification: Uncertain significance for Growth hormone insensitivity with immune dysregulation 1, autosomal recessive. Last evaluated: 2023-11-18. Review status: criteria provided, single submitter. Criteria: Invitae Variant Classification Sherloc (09022015). Collection method: clinical testing. Allele origin: germline.
Comment: This sequence change replaces glutamine, which is neutral and polar, with glutamic acid, which is acidic and polar, at codon 146 of the STAT5B protein (p.Gln146Glu). This variant is not present in population databases (gnomAD no frequency). This variant has not been reported in the literature in individuals affected with STAT5B-related conditions. Advanced modeling of protein sequence and biophysical properties (such as structural, functional, and spatial information, amino acid conservation, physicochemical variation, residue mobility, and thermodynamic stability) performed at Invitae indicates that this missense variant is not expected to disrupt STAT5B protein function with a negative predictive value of 80%. In summary, the available evidence is currently insufficient to determine the role of this variant in disease. Therefore, it has been classified as a Variant of Uncertain Significance.

NM_012448.4(STAT5B):c.436C>G (p.Gln146Glu)

Gene: STAT5B (signal transducer and activator of transcription 5B; minus strand). Cytogenetic location: 17q21.2.
Variant type: single nucleotide variant.
Coding change: c.436C>G on transcript NM_012448.4 (MANE Select); coding-DNA position 436, C replaced by G.
Protein change: p.Gln146Glu; replaces glutamine 146 with glutamic acid.
Molecular consequence: missense variant.
Genome position (GRCh38, 1-based): chr17:42,223,496, G>C on the plus strand (C>G on the coding strand, the complement: STAT5B is on the minus strand). VCF-style: chr17-42223496-G-C. GRCh37 (hg19) VCF-style: chr17-40375514-G-C.
Other names: short protein forms Q146E.
Identifiers: ClinVar variation 2998404 (VCV002998404.5), dbSNP rs2080247627, ClinGen allele CA399589395.